The following is an entry in ClinVar:

NM_032242.4(PLXNA1):c.229A>C (p.Asn77His)

Gene: PLXNA1 (plexin A1; plus strand). Cytogenetic location: 3q21.3.
Variant type: single nucleotide variant.
Coding change: c.229A>C on transcript NM_032242.4 (MANE Select); coding-DNA position 229, A replaced by C.
Protein change: p.Asn77His; replaces asparagine 77 with histidine.
Molecular consequence: missense variant.
Genome position (GRCh38, 1-based): chr3:126,988,822, A>C. VCF-style: chr3-126988822-A-C. GRCh37 (hg19) VCF-style: chr3-126707665-A-C.
Other names: short protein forms N77H.
Identifiers: ClinVar variation 4997115 (VCV004997115.1).
Genomic context (GRCh38, chr3:126,988,822, plus strand): 5'-CATGAGCAGACAGGCGAGGTGTATGTGGGCGCAGTGAACCGCATCTATAAGCTGTCGGGG[A>C]ACCTGACACTGCTGCGGGCCCACGTCACGGGCCCTGTGGAGGACAACGAGAAGTGCTACC-3'
Protein context (NP_115618.3, residues 67-87): AVNRIYKLSG[Asn77His]LTLLRAHVTG

ClinVar aggregate classification (germline): Uncertain significance (1 of 4 stars; one submission).

Conditions:
PLXNA1-related disorder. Also called: PLXNA1-related condition.

gnomAD v4.1: 69 of 1,613,246 alleles (0.0043%); highest among the groups gnomAD compares: Non-Finnish European, 0.0058%; no homozygotes.

Submission:

PreventionGenetics, part of Exact Sciences
Classification: Uncertain significance for PLXNA1-related condition. Last evaluated: 2025-06-11. Review status: criteria provided, single submitter. Criteria: ACMG Guidelines, 2015. Collection method: clinical testing. Allele origin: germline.
Comment: The PLXNA1 c.229A>C variant is predicted to result in the amino acid substitution p.Asn77His. To our knowledge, this variant has not been reported in the literature. This variant is reported in 0.0031% of alleles in individuals of European (non-Finnish) descent in gnomAD. At this time, the clinical significance of this variant is uncertain due to the absence of conclusive functional and genetic evidence.